The following is an entry in ClinVar:

ClinVar aggregate classification (germline): Uncertain significance. Review status: criteria provided, multiple submitters, no conflicts (2 of 4 stars). 5 submissions from 5 submitters: Uncertain significance (5). Last evaluated 2025-10-27.

Conditions:
Inborn genetic diseases. Identifiers: MedGen C0950123, MeSH D030342.
Epidermolysis bullosa simplex with nail dystrophy (EBS5D). Identifiers: MedGen C4225309, MONDO:0014661, OMIM 616487.
Epidermolysis bullosa simplex 5C, with pyloric atresia (EBS5C). Also called: PLEC-Related Epidermolysis Bullosa with Pyloric Atresia; Epidermolysis bullosa simplex with pyloric atresia; PLEC1-Related Epidermolysis Bullosa with Pyloric Atresia. Identifiers: Orphanet 158684, MedGen C2677349, MONDO:0012807, OMIM 612138.
Autosomal recessive limb-girdle muscular dystrophy type 2Q (LGMDR17). Also called: MUSCULAR DYSTROPHY, LIMB-GIRDLE, AUTOSOMAL RECESSIVE 17. Identifiers: Orphanet 254361, MedGen C3150989, MONDO:0013390, OMIM 613723.
Epidermolysis bullosa simplex 5B, with muscular dystrophy (EBS5B). Also called: EPIDERMOLYSIS BULLOSA SIMPLEX AND LIMB-GIRDLE MUSCULAR DYSTROPHY; Epidermolysis bullosa simplex with muscular dystrophy. Identifiers: Orphanet 257, MedGen C2931072, MONDO:0009181, OMIM 226670.
Epidermolysis bullosa simplex, Ogna type (EBS5A). Also called: Pidermolysis bullosa simplex 5A, Ogna type; EPIDERMOLYSIS BULLOSA SIMPLEX 5A, OGNA TYPE. Identifiers: Orphanet 79401, MedGen C0432317, MONDO:0007555, OMIM 131950.

Allele frequency attached by ClinVar (database versions not stated): gnomAD 0.00009; gnomAD exomes 0.00010 and 0.00012; TOPMed 0.00012; ExAC 0.00033.
gnomAD v4.1: 184 of 1,539,512 alleles (0.012%); highest among the groups gnomAD compares: Middle Eastern, 0.036%; no homozygotes.

Submissions (5):

Labcorp Genetics (formerly Invitae), Labcorp
Classification: Uncertain significance for Autosomal recessive limb-girdle muscular dystrophy type 2Q; Epidermolysis bullosa simplex, Ogna type; Epidermolysis bullosa simplex with nail dystrophy; Epidermolysis bullosa simplex 5C, with pyloric atresia; Epidermolysis bullosa simplex 5B, with muscular dystrophy. Last evaluated: 2025-10-27. Review status: criteria provided, single submitter. Criteria: Invitae Variant Classification Sherloc (09022015). Collection method: clinical testing. Allele origin: germline.
Comment: This sequence change replaces arginine, which is basic and polar, with histidine, which is basic and polar, at codon 1832 of the PLEC protein (p.Arg1832His). This variant is present in population databases (rs782438887, gnomAD 0.02%). This variant has not been reported in the literature in individuals affected with PLEC-related conditions. ClinVar contains an entry for this variant (Variation ID: 283241). Experimental studies and prediction algorithms are not available or were not evaluated, and the functional significance of this variant is currently unknown. In summary, the available evidence is currently insufficient to determine the role of this variant in disease. Therefore, it has been classified as a Variant of Uncertain Significance.

Revvity Omics, Revvity
Classification: Uncertain significance. Last evaluated: 2024-05-16. Review status: criteria provided, single submitter. Criteria: ACMG Guidelines, 2015. Collection method: clinical testing. Allele origin: germline.

Ambry Genetics
Classification: Uncertain significance for Inborn genetic diseases. Last evaluated: 2021-10-29. Review status: criteria provided, single submitter. Criteria: Ambry Variant Classification Scheme 2023. Collection method: clinical testing. Allele origin: germline.

Athena Diagnostics
Classification: Uncertain significance. Last evaluated: 2016-12-07. Review status: criteria provided, single submitter. Criteria: Athena Diagnostics Criteria. Collection method: clinical testing. Allele origin: germline.

Eurofins Ntd Llc (ga)
Classification: Uncertain significance. Last evaluated: 2016-01-29. Review status: criteria provided, single submitter. Criteria: EGL Classification Definitions 2015. Collection method: clinical testing. Allele origin: germline. Observed: 1 variant allele, 1 heterozygote.

NM_201384.3(PLEC):c.5414G>A (p.Arg1805His)

Gene: PLEC (plectin; minus strand). Cytogenetic location: 8q24.3.
Variant type: single nucleotide variant.
Coding change: c.5414G>A on transcript NM_201384.3 (MANE Select); coding-DNA position 5414, G replaced by A.
Protein change: p.Arg1805His; replaces arginine 1805 with histidine.
Molecular consequence: missense variant.
Genome position (GRCh38, 1-based): chr8:143,924,515, C>T on the plus strand (G>A on the coding strand, the complement: PLEC is on the minus strand). VCF-style: chr8-143924515-C-T. GRCh37 (hg19) VCF-style: chr8-144998683-C-T.
Other names: c.5495G>A, p.Arg1832His (NM_000445.5); c.5372G>A, p.Arg1791His (NM_201378.4); c.5348G>A, p.Arg1783His (NM_201379.3); c.5825G>A, p.Arg1942His (NM_201380.4); c.5318G>A, p.Arg1773His (NM_201381.3); c.5414G>A, p.Arg1805His (NM_201382.4); c.5426G>A, p.Arg1809His (NM_201383.3); short protein forms R1783H, R1791H, R1805H, R1942H, R1773H, R1809H, R1832H.
Identifiers: ClinVar variation 283241 (VCV000283241.14), dbSNP rs782438887, ClinGen allele CA4926370.